The following is an entry in ClinVar:

ClinVar aggregate classification (germline): Uncertain significance (1 of 4 stars; one submission).

Conditions:
Distal hereditary motor neuropathy type 2. Identifiers: Orphanet 139525, MedGen C3711384, MeSH C580044, MONDO:0015352.

Submission:

Labcorp Genetics (formerly Invitae), Labcorp
Classification: Uncertain significance for Distal hereditary motor neuropathy type 2. Last evaluated: 2021-12-13. Review status: criteria provided, single submitter. Criteria: Invitae Variant Classification Sherloc (09022015). Collection method: clinical testing. Allele origin: germline.
Comment: In summary, the available evidence is currently insufficient to determine the role of this variant in disease. Therefore, it has been classified as a Variant of Uncertain Significance. Algorithms developed to predict the effect of missense changes on protein structure and function (SIFT, PolyPhen-2, Align-GVGD) all suggest that this variant is likely to be tolerated. This variant has not been reported in the literature in individuals affected with FBXO38-related conditions. This variant is not present in population databases (gnomAD no frequency). This sequence change replaces valine, which is neutral and non-polar, with phenylalanine, which is neutral and non-polar, at codon 574 of the FBXO38 protein (p.Val574Phe).

NM_205836.3(FBXO38):c.1720G>T (p.Val574Phe)

Gene: FBXO38 (F-box protein 38; plus strand). Cytogenetic location: 5q32.
Variant type: single nucleotide variant.
Coding change: c.1720G>T on transcript NM_205836.3 (MANE Select); coding-DNA position 1720, G replaced by T.
Protein change: p.Val574Phe; replaces valine 574 with phenylalanine.
Molecular consequence: missense variant.
Genome position (GRCh38, 1-based): chr5:148,424,099, G>T. VCF-style: chr5-148424099-G-T. GRCh37 (hg19) VCF-style: chr5-147803662-G-T.
Other names: c.1720G>T, p.Val574Phe (NM_001271723.2, NM_030793.5); short protein forms V574F.
Identifiers: ClinVar variation 2040370 (VCV002040370.4), dbSNP rs2531796012, ClinGen allele CA361654581.